The following is an entry in ClinVar:

NM_007363.5(NONO):c.1057G>A (p.Glu353Lys)

Gene: NONO (non-POU domain containing octamer binding; plus strand). Cytogenetic location: Xq13.1.
Variant type: single nucleotide variant.
Coding change: c.1057G>A on transcript NM_007363.5 (MANE Select); coding-DNA position 1057, G replaced by A.
Protein change: p.Glu353Lys; replaces glutamic acid 353 with lysine.
Molecular consequence: missense variant.
Genome position (GRCh38, 1-based): chrX:71,297,864, G>A. VCF-style: chrX-71297864-G-A. GRCh37 (hg19) VCF-style: chrX-70517714-G-A.
Other names: c.1057G>A, p.Glu353Lys (NM_001145408.2, NM_001145409.2); c.790G>A, p.Glu264Lys (NM_001145410.2); short protein forms E264K, E353K.
Identifiers: ClinVar variation 1313665 (VCV001313665.2), dbSNP rs2148039734, ClinGen allele CA413547647.

ClinVar aggregate classification (germline): Uncertain significance (1 of 4 stars; one submission).

Submission:

GeneDx
Classification: Uncertain significance. Last evaluated: 2020-12-08. Review status: criteria provided, single submitter. Criteria: GeneDx Variant Classification Process June 2021. Collection method: clinical testing. Allele origin: germline. Affected: yes.
Comment: Not observed in large population cohorts (Lek et al., 2016); In silico analysis, which includes protein predictors and evolutionary conservation, supports a deleterious effect; Has not been previously published as pathogenic or benign to our knowledge